The following is an entry in ClinVar:

ClinVar aggregate classification (germline): Uncertain significance. Review status: criteria provided, multiple submitters, no conflicts (2 of 4 stars). 2 submissions from 2 submitters: Uncertain significance (2). Last evaluated 2024-01-03.

Conditions:
Inborn genetic diseases. Identifiers: MedGen C0950123, MeSH D030342.

Allele frequency attached by ClinVar (database versions not stated): gnomAD 0.00002; TOPMed 0.00002; ExAC 0.00007; ESP Exome Variant Server 0.00008.
gnomAD v4.1: 72 of 1,613,946 alleles (0.0045%); highest among the groups gnomAD compares: Non-Finnish European, 0.0054%; no homozygotes.

Submissions (2):

Ambry Genetics
Classification: Uncertain significance for Inborn genetic diseases. Last evaluated: 2024-01-03. Review status: criteria provided, single submitter. Criteria: Ambry Variant Classification Scheme 2023. Collection method: clinical testing. Allele origin: germline.

Labcorp Genetics (formerly Invitae), Labcorp
Classification: Uncertain significance. Last evaluated: 2022-07-16. Review status: criteria provided, single submitter. Criteria: Invitae Variant Classification Sherloc (09022015). Collection method: clinical testing. Allele origin: germline.
Comment: This sequence change replaces arginine, which is basic and polar, with glutamine, which is neutral and polar, at codon 772 of the DENND5A protein (p.Arg772Gln). This variant is present in population databases (rs370563907, gnomAD 0.009%). This variant has not been reported in the literature in individuals affected with DENND5A-related conditions. Algorithms developed to predict the effect of missense changes on protein structure and function (SIFT, PolyPhen-2, Align-GVGD) all suggest that this variant is likely to be tolerated. In summary, the available evidence is currently insufficient to determine the role of this variant in disease. Therefore, it has been classified as a Variant of Uncertain Significance.

NM_015213.4(DENND5A):c.2315G>A (p.Arg772Gln)

Gene: DENND5A (DENN domain containing 5A; minus strand). Cytogenetic location: 11p15.4.
Variant type: single nucleotide variant.
Coding change: c.2315G>A on transcript NM_015213.4 (MANE Select); coding-DNA position 2315, G replaced by A.
Protein change: p.Arg772Gln; replaces arginine 772 with glutamine.
Molecular consequence: missense variant. On other transcripts: non-coding transcript variant (1).
Genome position (GRCh38, 1-based): chr11:9,160,834, C>T on the plus strand (G>A on the coding strand, the complement: DENND5A is on the minus strand). VCF-style: chr11-9160834-C-T. GRCh37 (hg19) VCF-style: chr11-9182381-C-T.
Other names: c.2315G>A, p.Arg772Gln (NM_001243254.2, NM_001348748.1); c.2243G>A, p.Arg748Gln (NM_001348749.2); c.2027G>A, p.Arg676Gln (NM_001348750.2); c.2315G>A (NM_015213.3); short protein forms R676Q, R748Q, R772Q.
Identifiers: ClinVar variation 2192474 (VCV002192474.2), dbSNP rs370563907, ClinGen allele CA5877368.